The following is an entry in ClinVar:

ClinVar aggregate classification (germline): Uncertain significance (1 of 4 stars; one submission).

gnomAD v4.1: 1 of 1,613,938 alleles (0.000062%); highest among the groups gnomAD compares: South Asian, 0.0011%; no homozygotes.

Submission:

Ambry Genetics
Classification: Uncertain significance. Last evaluated: 2023-05-14. Review status: criteria provided, single submitter. Criteria: Ambry Variant Classification Scheme 2023. Collection method: clinical testing. Allele origin: germline.
Comment: The p.A975T variant (also known as c.2923G>A), located in coding exon 15 of the NPAT gene, results from a G to A substitution at nucleotide position 2923. The alanine at codon 975 is replaced by threonine, an amino acid with similar properties. This amino acid position is conserved. In addition, this alteration is predicted to be tolerated by in silico analysis. Since supporting evidence is limited at this time, the clinical significance of this alteration remains unclear.

NM_002519.3(NPAT):c.2923G>A (p.Ala975Thr)

Gene: NPAT (nuclear protein, coactivator of histone transcription; minus strand). Cytogenetic location: 11q22.3.
Variant type: single nucleotide variant.
Coding change: c.2923G>A on transcript NM_002519.3 (MANE Select); coding-DNA position 2923, G replaced by A.
Protein change: p.Ala975Thr; replaces alanine 975 with threonine.
Molecular consequence: missense variant.
Genome position (GRCh38, 1-based): chr11:108,169,831, C>T on the plus strand (G>A on the coding strand, the complement: NPAT is on the minus strand). VCF-style: chr11-108169831-C-T. GRCh37 (hg19) VCF-style: chr11-108040558-C-T.
Other names: c.2923G>A, p.Ala975Thr (NM_001321307.1); short protein forms A975T.
Identifiers: ClinVar variation 2568000 (VCV002568000.2), dbSNP rs2496710887, ClinGen allele CA382511940.